The following is an entry in ClinVar:

NM_001170629.2(CHD8):c.3628C>T (p.Arg1210Trp)

Gene: CHD8 (chromodomain helicase DNA binding protein 8; minus strand). Cytogenetic location: 14q11.2.
Variant type: single nucleotide variant.
Coding change: c.3628C>T on transcript NM_001170629.2 (MANE Select); coding-DNA position 3628, C replaced by T.
Protein change: p.Arg1210Trp; replaces arginine 1210 with tryptophan.
Molecular consequence: missense variant.
Genome position (GRCh38, 1-based): chr14:21,403,103, G>A on the plus strand (C>T on the coding strand, the complement: CHD8 is on the minus strand). VCF-style: chr14-21403103-G-A. GRCh37 (hg19) VCF-style: chr14-21871262-G-A.
Other names: c.2791C>T, p.Arg931Trp (NM_020920.4); short protein forms R1210W, R931W.
Identifiers: ClinVar variation 1308840 (VCV001308840.3), dbSNP rs757278444, ClinGen allele CA7091379.

ClinVar aggregate classification (germline): Uncertain significance. Review status: criteria provided, multiple submitters, no conflicts (2 of 4 stars). 2 submissions from 2 submitters: Uncertain significance (2). Last evaluated 2024-01-12.

Allele frequency attached by ClinVar (database versions not stated): gnomAD exomes below 0.00001; ExAC 0.00001.
gnomAD v4.1: 2 of 1,614,032 alleles (0.00012%); highest among the groups gnomAD compares: East Asian, 0.0022%; no homozygotes.

Submissions (2):

Clinical Genetics Laboratory, Skane University Hospital Lund
Classification: Uncertain significance. Last evaluated: 2024-01-12. Review status: criteria provided, single submitter. Criteria: ACMG Guidelines, 2015. Collection method: clinical testing. Allele origin: germline. Affected: yes.

GeneDx
Classification: Uncertain significance. Last evaluated: 2020-08-24. Review status: criteria provided, single submitter. Criteria: GeneDx Variant Classification Process June 2021. Collection method: clinical testing. Allele origin: germline. Affected: yes.
Comment: Not observed at a significant frequency in large population cohorts (Lek et al., 2016); In silico analysis, which includes protein predictors and evolutionary conservation, supports a deleterious effect; Has not been previously published as pathogenic or benign to our knowledge